The following is an entry in ClinVar:

NM_002227.4(JAK1):c.1475A>G (p.Gln492Arg)

Gene: JAK1 (Janus kinase 1; minus strand). Cytogenetic location: 1p31.3.
Variant type: single nucleotide variant.
Coding change: c.1475A>G on transcript NM_002227.4 (MANE Select); coding-DNA position 1475, A replaced by G.
Protein change: p.Gln492Arg; replaces glutamine 492 with arginine.
Molecular consequence: missense variant.
Genome position (GRCh38, 1-based): chr1:64,855,682, T>C on the plus strand (A>G on the coding strand, the complement: JAK1 is on the minus strand). VCF-style: chr1-64855682-T-C. GRCh37 (hg19) VCF-style: chr1-65321365-T-C.
Other names: c.1475A>G, p.Gln492Arg (NM_001320923.2, NM_001321852.2, NM_001321853.2 and 3 more transcripts); c.1472A>G, p.Gln491Arg (NM_001321857.2); short protein forms Q492R, Q491R.
Identifiers: ClinVar variation 2001899 (VCV002001899.5), dbSNP rs752402320, ClinGen allele CA892912.

ClinVar aggregate classification (germline): Uncertain significance. Review status: criteria provided, multiple submitters, no conflicts (2 of 4 stars). 2 submissions from 2 submitters: Uncertain significance (2). Last evaluated 2025-03-09.

Conditions:
Autoinflammation, immune dysregulation, and eosinophilia. Also called: ATOPIC DERMATITIS, ENTERITIS, COLITIS, AND EOSINOPHILIA. Identifiers: MedGen C5436572, MONDO:0033558, OMIM 618999.

Allele frequency attached by ClinVar (database versions not stated): ExAC 0.00003; gnomAD exomes 0.00001.
gnomAD v4.1: 19 of 1,613,392 alleles (0.0012%); highest among the groups gnomAD compares: Non-Finnish European, 0.0016%; no homozygotes.

Submissions (2):

Labcorp Genetics (formerly Invitae), Labcorp
Classification: Uncertain significance. Last evaluated: 2025-03-09. Review status: criteria provided, single submitter. Criteria: Invitae Variant Classification Sherloc (09022015). Collection method: clinical testing. Allele origin: germline.
Comment: This sequence change replaces glutamine, which is neutral and polar, with arginine, which is basic and polar, at codon 492 of the JAK1 protein (p.Gln492Arg). This variant is present in population databases (rs752402320, gnomAD 0.004%). This variant has not been reported in the literature in individuals affected with JAK1-related conditions. ClinVar contains an entry for this variant (Variation ID: 2001899). Invitae Evidence Modeling of protein sequence and biophysical properties (such as structural, functional, and spatial information, amino acid conservation, physicochemical variation, residue mobility, and thermodynamic stability) indicates that this missense variant is not expected to disrupt JAK1 protein function with a negative predictive value of 80%. In summary, the available evidence is currently insufficient to determine the role of this variant in disease. Therefore, it has been classified as a Variant of Uncertain Significance.

Department of Pathology and Laboratory Medicine, Sinai Health System
Classification: Uncertain significance for Autoinflammation, immune dysregulation, and eosinophilia. Last evaluated: 2021-10-26. Review status: criteria provided, single submitter. Criteria: ACMG Guidelines, 2015. Collection method: research. Allele origin: germline.